The following is an entry in ClinVar:

ClinVar aggregate classification (germline): Uncertain significance (1 of 4 stars; one submission).

Conditions:
Hereditary sensory neuropathy-deafness-dementia syndrome. Also called: NEUROPATHY, HEREDITARY SENSORY, WITH HEARING LOSS AND DEMENTIA; Hereditary sensory neuropathy type IE; Hereditary Sensory and Autonomic Neuropathy Type 1E (HSAN1E); HSN IE. Identifiers: Orphanet 456318, MedGen C3279885, MONDO:0013584, OMIM 614116.

Submission:

Labcorp Genetics (formerly Invitae), Labcorp
Classification: Uncertain significance for Hereditary sensory neuropathy-deafness-dementia syndrome. Last evaluated: 2023-01-18. Review status: criteria provided, single submitter. Criteria: Invitae Variant Classification Sherloc (09022015). Collection method: clinical testing. Allele origin: germline.
Comment: This variant has not been reported in the literature in individuals affected with DNMT1-related conditions. This variant is not present in population databases (gnomAD no frequency). This sequence change replaces proline, which is neutral and non-polar, with alanine, which is neutral and non-polar, at codon 7 of the DNMT1 protein (p.Pro7Ala). Algorithms developed to predict the effect of missense changes on protein structure and function are either unavailable or do not agree on the potential impact of this missense change (SIFT: "Deleterious"; PolyPhen-2: "Probably Damaging"; Align-GVGD: "Class C0"). In summary, the available evidence is currently insufficient to determine the role of this variant in disease. Therefore, it has been classified as a Variant of Uncertain Significance.

NM_001130823.3(DNMT1):c.19C>G (p.Pro7Ala)

Genes: DNMT1 (DNA methyltransferase 1; minus strand), LOC130063472 (ATAC-STARR-seq lymphoblastoid silent region 10057; plus strand). Cytogenetic location: 19p13.2.
Variant type: single nucleotide variant.
Coding change: c.19C>G on transcript NM_001130823.3 (MANE Select); coding-DNA position 19, C replaced by G.
Protein change: p.Pro7Ala; replaces proline 7 with alanine.
Molecular consequence: missense variant. On other transcripts: 5 prime UTR variant (1).
Genome position (GRCh38, 1-based): chr19:10,194,881, G>C on the plus strand (C>G on the coding strand, the complement: DNMT1 is on the minus strand). VCF-style: chr19-10194881-G-C. GRCh37 (hg19) VCF-style: chr19-10305557-G-C.
Other names: c.19C>G, p.Pro7Ala (NM_001318730.2, NM_001379.4); c.-305C>G (NM_001318731.2); short protein forms P7A.
Identifiers: ClinVar variation 2829799 (VCV002829799.3), dbSNP rs766984573, ClinGen allele CA403950254.